The following is an entry in ClinVar:

ClinVar aggregate classification (germline): Pathogenic. Review status: reviewed by expert panel (3 of 4 stars). 2 submissions from 2 submitters: Pathogenic (1). 1 of the submissions does not count toward it. Last evaluated 2017-12-15.

Conditions:
Familial cancer of breast. Also called: BREAST CANCER, FAMILIAL; Hereditary breast cancer; hereditary breast carcinoma. Identifiers: Orphanet 227535, MedGen C0346153, MONDO:0016419, OMIM 114480. Disease mechanism: loss of function.
Breast-ovarian cancer, familial, susceptibility to, 2 (BROVCA2). Also called: BRCA2 Hereditary Breast and Ovarian Cancer. Identifiers: Orphanet 145, MedGen C2675520, MONDO:0012933, OMIM 612555. Disease mechanism: loss of function.

Submissions (2):

Evidence-based Network for the Interpretation of Germline Mutant Alleles (ENIGMA)
Classification: Pathogenic for Breast-ovarian cancer, familial, susceptibility to, 2. Last evaluated: 2017-12-15. Review status: reviewed by expert panel. Criteria: ENIGMA BRCA1/2 Classification Criteria (2017-06-29). Collection method: curation. Allele origin: germline. Study: ENIGMA.
Comment: Variant allele predicted to encode a truncated non-functional protein.

ClinVar Staff, National Center for Biotechnology Information (NCBI)
No classification provided. Condition: Familial cancer of breast. Review status: no classification provided. Collection method: literature only. Allele origin: germline. Affected: yes. Not counted in ClinVar's aggregate classification.

Literature cited by the submitters: PubMed 10615237 (cited by ClinVar Staff, National Center for Biotechnology Information (NCBI)).

NM_000059.4(BRCA2):c.5946_5950del (p.Ser1982fs)

Gene: BRCA2 (BRCA2 DNA repair associated; plus strand). Cytogenetic location: 13q13.1.
Variant type: Deletion.
Coding change: c.5946_5950del on transcript NM_000059.4 (MANE Select); coding-DNA positions 5946 to 5950, 5 bases deleted (TGGAA; older notation c.5946_5950delTGGAA).
Protein change: p.Ser1982fs; shifts the reading frame from serine 1982.
Molecular consequence: frameshift variant.
Genome position (GRCh38, 1-based): chr13:32,340,301-32,340,305, TGGAA deleted. VCF-style (leftmost placement, unchanged base first): chr13-32340300-GTGGAA-G. GRCh37 (hg19) VCF-style: chr13-32914437-GTGGAA-G.
Other names: c.5946_5950delTGGAA (NM_000059.3); short protein forms S1982fs.
Identifiers: ClinVar variation 51970 (VCV000051970.3), dbSNP rs397507813, ClinGen allele CA023400.
Genomic context (GRCh38, chr13:32,340,300, plus strand): 5'-TAGGGAAGCTTCATAAGTCAGTCTCATCTGCAAATACTTGTGGGATTTTTAGCACAGCAA[GTGGAA>G]AATCTGTCCAGGTATCAGATGCTTCATTACAAAACGCAAGACAAGTGTTTTCTGAAATAG-3'